The following is an entry in ClinVar:

NM_001079866.2(BCS1L):c.206G>A (p.Arg69His)

Gene: BCS1L (BCS1 ubiquinol-cytochrome c reductase complex chaperone; plus strand). Cytogenetic location: 2q35.
Variant type: single nucleotide variant.
Coding change: c.206G>A on transcript NM_001079866.2 (MANE Select); coding-DNA position 206, G replaced by A.
Protein change: p.Arg69His; replaces arginine 69 with histidine.
Molecular consequence: missense variant. On other transcripts: 5 prime UTR variant (5), non-coding transcript variant (1), intron variant (3).
Genome position (GRCh38, 1-based): chr2:218,661,193, G>A. VCF-style: chr2-218661193-G-A. GRCh37 (hg19) VCF-style: chr2-219525916-G-A.
Other names: c.206G>A, p.Arg69His (NM_001257342.2, NM_001257343.2, NM_001257344.2 and 10 more transcripts); c.-271G>A (NM_001371453.1, NM_001371454.1, NM_001371455.1 and 2 more transcripts); c.-40-213G>A (NM_001371451.1, NM_001318836.2); c.-41-566G>A (NM_001371452.1); short protein forms R69H.
Identifiers: ClinVar variation 1302936 (VCV001302936.6), dbSNP rs538427220, ClinGen allele CA2109622.
Genomic context (GRCh38, chr2:218,661,193, plus strand): 5'-TCACACTGGAAGTCCCTGCTCGAGACAGGAGCTATGCCTGGTTGCTTAGCTGGCTCACCC[G>A]CCACAGTACCCGTACTCAGCACCTCAGTGTCGAGACTTCGTACCTTCAGCATGAGAGTGG-3'
Protein context (NP_001073335.1, residues 59-79): SYAWLLSWLT[Arg69His]HSTRTQHLSV

ClinVar aggregate classification (germline): Uncertain significance. Review status: criteria provided, multiple submitters, no conflicts (2 of 4 stars). 3 submissions from 3 submitters: Uncertain significance (3). Last evaluated 2025-08-06.

Conditions:
Inborn genetic diseases. Identifiers: MedGen C0950123, MeSH D030342.
GRACILE syndrome (FLNMS). Also called: FELLMAN SYNDROME; FINNISH LETHAL NEONATAL METABOLIC SYNDROME. Identifiers: Orphanet 53693, MedGen C1864002, MONDO:0011308, OMIM 603358.
Pili torti-deafness syndrome (BJS). Also called: Bjornstad syndrome; PILI TORTI AND NERVE DEAFNESS. Identifiers: Orphanet 123, MedGen C0266006, MONDO:0009872, OMIM 262000.
Mitochondrial complex III deficiency nuclear type 1. Identifiers: Orphanet 254902, MedGen C3541471, MONDO:0007415, OMIM 124000.

Allele frequency attached by ClinVar (database versions not stated): TOPMed 0.00001; gnomAD 0.00003 and 0.00005; 1000 Genomes Project 30x 0.00031; 1000 Genomes Project 0.00040.

Submissions (3):

Ambry Genetics
Classification: Uncertain significance for Inborn genetic diseases. Last evaluated: 2025-08-06. Review status: criteria provided, single submitter. Criteria: Ambry Variant Classification Scheme 2023. Collection method: clinical testing. Allele origin: germline.

GeneDx
Classification: Uncertain significance. Last evaluated: 2025-03-14. Review status: criteria provided, single submitter. Criteria: GeneDx Variant Classification Process June 2021. Collection method: clinical testing. Allele origin: germline. Affected: yes.
Comment: In silico analysis indicates that this missense variant does not alter protein structure/function; Has not been previously published as pathogenic or benign to our knowledge

Fulgent Genetics
Classification: Uncertain significance for Mitochondrial complex III deficiency nuclear type 1; Pili torti-deafness syndrome; GRACILE syndrome. Last evaluated: 2021-07-21. Review status: criteria provided, single submitter. Criteria: ACMG Guidelines, 2015. Collection method: clinical testing. Allele origin: unknown.